The following is an entry in ClinVar:

NM_001370259.2(MEN1):c.310T>C (p.Ser104Pro)

Gene: MEN1 (menin 1; minus strand). Cytogenetic location: 11q13.1.
Variant type: single nucleotide variant.
Coding change: c.310T>C on transcript NM_001370259.2 (MANE Select); coding-DNA position 310, T replaced by C.
Protein change: p.Ser104Pro; replaces serine 104 with proline.
Molecular consequence: missense variant.
Genome position (GRCh38, 1-based): chr11:64,809,800, A>G on the plus strand (T>C on the coding strand, the complement: MEN1 is on the minus strand). VCF-style: chr11-64809800-A-G. GRCh37 (hg19) VCF-style: chr11-64577272-A-G.
Other names: c.310T>C, p.Ser104Pro (NM_000244.4, NM_001370251.2, NM_001407147.1 and 20 more transcripts); short protein forms S104P.
Identifiers: ClinVar variation 1727741 (VCV001727741.3), dbSNP rs528298928, ClinGen allele CA381187433.

ClinVar aggregate classification (germline): Uncertain significance (1 of 4 stars; one submission).

Conditions:
Hereditary cancer-predisposing syndrome. Also called: Hereditary Cancer Syndrome; Neoplastic Syndromes, Hereditary; Hereditary neoplastic syndrome; Tumor predisposition. Identifiers: Orphanet 140162, MedGen C0027672, MeSH D009386, MONDO:0015356.

Submission:

Ambry Genetics
Classification: Uncertain significance for Hereditary cancer-predisposing syndrome. Last evaluated: 2026-04-22. Review status: criteria provided, single submitter. Criteria: Ambry Variant Classification Scheme 2023. Collection method: clinical testing. Allele origin: germline.
Comment: The p.S104P variant (also known as c.310T>C), located in coding exon 1 of the MEN1 gene, results from a T to C substitution at nucleotide position 310. The serine at codon 104 is replaced by proline, an amino acid with similar properties. This amino acid position is highly conserved in available vertebrate species. In addition, this alteration is predicted to be deleterious by in silico analysis. Based on the available evidence, the clinical significance of this variant remains unclear.